The following is an entry in ClinVar:

NM_006231.4(POLE):c.6212A>T (p.Gln2071Leu)

Gene: POLE (DNA polymerase epsilon, catalytic subunit; minus strand). Cytogenetic location: 12q24.33.
Variant type: single nucleotide variant.
Coding change: c.6212A>T on transcript NM_006231.4 (MANE Select); coding-DNA position 6212, A replaced by T.
Protein change: p.Gln2071Leu; replaces glutamine 2071 with leucine.
Molecular consequence: missense variant.
Genome position (GRCh38, 1-based): chr12:132,632,433, T>A on the plus strand (A>T on the coding strand, the complement: POLE is on the minus strand). VCF-style: chr12-132632433-T-A. GRCh37 (hg19) VCF-style: chr12-133209019-T-A.
Other names: short protein forms Q2071L.
Identifiers: ClinVar variation 4743239 (VCV004743239.1).
Genomic context (GRCh38, chr12:132,632,433, plus strand): 5'-GGGAGGACAGGAAACATCTCTGAGAGCTCAGTGGAGTTCCGAGAGCCTGTGACTTTCTTC[T>A]GAATCTTCTGAGTGATGGTGAAGAAGCTCTGAGTGAGCTCATTTGCGACATAATCCTGAG-3'
Protein context (NP_006222.2, residues 2061-2081): QSFFTITQKI[Gln2071Leu]KKVTGSRNST

ClinVar aggregate classification (germline): Uncertain significance (1 of 4 stars; one submission).

Submission:

Labcorp Genetics (formerly Invitae), Labcorp
Classification: Uncertain significance. Last evaluated: 2025-07-22. Review status: criteria provided, single submitter. Criteria: Invitae Variant Classification Sherloc (09022015). Collection method: clinical testing. Allele origin: germline.
Comment: This sequence change replaces glutamine, which is neutral and polar, with leucine, which is neutral and non-polar, at codon 2071 of the POLE protein (p.Gln2071Leu). This variant is not present in population databases (gnomAD no frequency). This variant has not been reported in the literature in individuals affected with POLE-related conditions. Invitae Evidence Modeling of protein sequence and biophysical properties (such as structural, functional, and spatial information, amino acid conservation, physicochemical variation, residue mobility, and thermodynamic stability) indicates that this missense variant is not expected to disrupt POLE protein function with a negative predictive value of 80%. In summary, the available evidence is currently insufficient to determine the role of this variant in disease. Therefore, it has been classified as a Variant of Uncertain Significance.